The following is an entry in ClinVar:

NM_000081.4(LYST):c.1843C>T (p.Leu615Phe)

Gene: LYST (lysosomal trafficking regulator; minus strand). Cytogenetic location: 1q42.3.
Variant type: single nucleotide variant.
Coding change: c.1843C>T on transcript NM_000081.4 (MANE Select); coding-DNA position 1843, C replaced by T.
Protein change: p.Leu615Phe; replaces leucine 615 with phenylalanine.
Molecular consequence: missense variant.
Genome position (GRCh38, 1-based): chr1:235,808,975, G>A on the plus strand (C>T on the coding strand, the complement: LYST is on the minus strand). VCF-style: chr1-235808975-G-A. GRCh37 (hg19) VCF-style: chr1-235972275-G-A.
Other names: c.1843C>T, p.Leu615Phe (NM_001301365.1); short protein forms L615F.
Identifiers: ClinVar variation 2160200 (VCV002160200.1), dbSNP rs1673164824, ClinGen allele CA344961514.

ClinVar aggregate classification (germline): Uncertain significance (1 of 4 stars; one submission).

Conditions:
Chédiak-Higashi syndrome (CHS). Also called: Chediak-Higashi Syndrome. Identifiers: Orphanet 167, MedGen C0007965, MONDO:0008963, OMIM 214500.

Allele frequency attached by ClinVar (database versions not stated): gnomAD exomes below 0.00001; TOPMed 0.00001.

Submission:

Labcorp Genetics (formerly Invitae), Labcorp
Classification: Uncertain significance for Chédiak-Higashi syndrome. Last evaluated: 2022-03-27. Review status: criteria provided, single submitter. Criteria: Invitae Variant Classification Sherloc (09022015). Collection method: clinical testing. Allele origin: germline.
Comment: This sequence change replaces leucine, which is neutral and non-polar, with phenylalanine, which is neutral and non-polar, at codon 615 of the LYST protein (p.Leu615Phe). This variant is not present in population databases (gnomAD no frequency). This variant has not been reported in the literature in individuals affected with LYST-related conditions. Algorithms developed to predict the effect of missense changes on protein structure and function are either unavailable or do not agree on the potential impact of this missense change (SIFT: "Tolerated"; PolyPhen-2: "Probably Damaging"; Align-GVGD: "Class C0"). In summary, the available evidence is currently insufficient to determine the role of this variant in disease. Therefore, it has been classified as a Variant of Uncertain Significance.